The following is an entry in ClinVar:

ClinVar aggregate classification (germline): Pathogenic/Likely pathogenic. Review status: criteria provided, multiple submitters, no conflicts (2 of 4 stars). 2 submissions from 2 submitters: Pathogenic (1); Likely pathogenic (1). Last evaluated 2026-04-30.

Conditions:
Fanconi anemia complementation group C (FANCC). Also called: FANCC-Related Fanconi Anemia; FANCONI PANCYTOPENIA, TYPE 3; FACC; Fanconi anemia, group C. Identifiers: Orphanet 84, MedGen C3468041, MONDO:0009213, OMIM 227645.

Submissions (2):

Myriad Genetics, Inc.
Classification: Pathogenic for Fanconi anemia complementation group C. Last evaluated: 2026-04-30. Review status: criteria provided, single submitter. Criteria: Myriad Autosomal Dominant, Autosomal Recessive and X-Linked Classification Criteria (2023). Collection method: clinical testing. Allele origin: unknown.
Comment: NM_000136.2(FANCC):c.867_868insT(I290Yfs*6) is expected to be pathogenic in the context of Fanconi anemia, FANCC-related. This variant is predicted to lead to an abnormal or absent protein product due to the creation of a premature termination codon in FANCC, a gene where loss-of-function variants are known to be pathogenic. Please note: this variant was assessed in the context of healthy population screening.

Quest Diagnostics Nichols Institute San Juan Capistrano
Classification: Likely pathogenic. Last evaluated: 2023-01-21. Review status: criteria provided, single submitter. Criteria: Quest Diagnostics criteria. Collection method: clinical testing. Allele origin: unknown.
Comment: This frameshift variant alters the translational reading frame of the FANCC mRNA and is predicted to cause the premature termination of FANCC protein synthesis. To the best of our knowledge, the variant has not been reported in online databases or the published literature. It also has not been reported in large, multi-ethnic general populations. Based on the available information, this variant is classified as likely pathogenic.

NM_000136.3(FANCC):c.867_868insT (p.Ile290fs)

Genes: AOPEP (aminopeptidase O (putative); plus strand), FANCC (FA complementation group C; minus strand). Cytogenetic location: 9q22.32.
Variant type: Insertion.
Coding change: c.867_868insT on transcript NM_000136.3 (MANE Select); coding-DNA positions 867 to 868, T inserted.
Protein change: p.Ile290fs; shifts the reading frame from isoleucine 290.
Molecular consequence: frameshift variant.
Genome position: GRCh38 VCF-style: chr9-95126557-T-TA. GRCh37 (hg19) VCF-style: chr9-97888839-T-TA.
Other names: c.867_868insT, p.Ile290fs (NM_001243743.2, NM_001243744.2); short protein forms I290fs.
Identifiers: ClinVar variation 2681917 (VCV002681917.2), dbSNP rs2541176302, ClinGen allele CA2697557846.